The following is an entry in ClinVar:

NM_006031.6(PCNT):c.708G>T (p.Leu236=)

Gene: PCNT (pericentrin; plus strand). Cytogenetic location: 21q22.3.
Variant type: single nucleotide variant.
Coding change: c.708G>T on transcript NM_006031.6 (MANE Select); coding-DNA position 708, G replaced by T.
Protein change: p.Leu236=; no amino-acid change (leucine 236 retained).
Molecular consequence: synonymous variant.
Genome position (GRCh38, 1-based): chr21:46,346,196, G>T. VCF-style: chr21-46346196-G-T. GRCh37 (hg19) VCF-style: chr21-47766110-G-T.
Other names: c.354G>T, p.Leu118= (NM_001315529.2); c.708G>T (NM_006031.5).
Identifiers: ClinVar variation 2965044 (VCV002965044.5), dbSNP rs1352045029, ClinGen allele CA512729135.
Genomic context (GRCh38, chr21:46,346,196, plus strand): 5'-ACAAGAATGTGAACTTGCCATTACTGACCTGGAGAGCGGCCGTGAAGATGAGGCTGGCCT[G>T]CATCAGAGTCAGGTGACCCGGCGGGGCCTGCACAGGCTCACAGCATGGGCTCTGTTATCC-3'
Protein context (NP_006022.3, residues 226-246): LESGREDEAG[Leu236=]HQSQAVHGLE

ClinVar aggregate classification (germline): Likely benign. Review status: criteria provided, single submitter (1 of 4 stars). 2 submissions from 2 submitters: Likely benign (1). 1 of the submissions does not count toward it. Last evaluated 2023-11-09.

Conditions:
PCNT-related disorder. Also called: PCNT-related condition.

Allele frequency attached by ClinVar (database versions not stated): TOPMed below 0.00001; gnomAD 0.00001.
gnomAD v4.1: 8 of 1,613,330 alleles (0.0005%); highest among the groups gnomAD compares: Non-Finnish European, 0.00068%; no homozygotes.

Submissions (2):

Labcorp Genetics (formerly Invitae), Labcorp
Classification: Likely benign. Last evaluated: 2023-11-09. Review status: criteria provided, single submitter. Criteria: Invitae Variant Classification Sherloc (09022015). Collection method: clinical testing. Allele origin: germline.

PreventionGenetics, part of Exact Sciences
Classification: Likely benign for PCNT-related condition. Last evaluated: 2023-12-05. Review status: no assertion criteria provided. Collection method: clinical testing. Allele origin: germline. Not counted in ClinVar's aggregate classification.
Comment: This variant is classified as likely benign based on ACMG/AMP sequence variant interpretation guidelines (Richards et al. 2015 PMID: 25741868, with internal and published modifications).